The following is an entry in ClinVar:

ClinVar aggregate classification (germline): Uncertain significance. Review status: criteria provided, multiple submitters, no conflicts (2 of 4 stars). 2 submissions from 2 submitters: Uncertain significance (2). Last evaluated 2025-10-02.

Conditions:
Hereditary cancer-predisposing syndrome. Also called: Hereditary Cancer Syndrome; Hereditary neoplastic syndrome; Tumor predisposition; Neoplastic Syndromes, Hereditary. Identifiers: Orphanet 140162, MedGen C0027672, MeSH D009386, MONDO:0015356.

Submissions (2):

Ambry Genetics
Classification: Uncertain significance for Hereditary cancer-predisposing syndrome. Last evaluated: 2025-10-02. Review status: criteria provided, single submitter. Criteria: Ambry Variant Classification Scheme 2023. Collection method: clinical testing. Allele origin: germline.
Comment: The p.M789R variant (also known as c.2366T>G), located in coding exon 14 of the PMS2 gene, results from a T to G substitution at nucleotide position 2366. The methionine at codon 789 is replaced by arginine, an amino acid with similar properties. This amino acid position is well conserved in available vertebrate species. In addition, this alteration is predicted to be deleterious by in silico analysis. Based on the available evidence, the clinical significance of this variant remains unclear.

Color Diagnostics, LLC DBA Color Health
Classification: Uncertain significance for Hereditary cancer-predisposing syndrome. Last evaluated: 2023-07-10. Review status: criteria provided, single submitter. Criteria: ACMG Guidelines, 2015. Collection method: clinical testing. Allele origin: germline.
Comment: This missense variant replaces methionine with arginine at codon 789 of the PMS2 protein. Computational prediction suggests that this variant may have deleterious impact on protein structure and function (internally defined REVEL score threshold >= 0.7, PMID: 27666373). To our knowledge, functional studies have not been reported for this variant. This variant has not been reported in individuals affected with PMS2-related disorders in the literature. This variant has not been identified in the general population by the Genome Aggregation Database (gnomAD). The available evidence is insufficient to determine the role of this variant in disease conclusively. Therefore, this variant is classified as a Variant of Uncertain Significance.

NM_000535.7(PMS2):c.2366T>G (p.Met789Arg)

Gene: PMS2 (PMS1 homolog 2, mismatch repair system component; minus strand). Cytogenetic location: 7p22.1.
Variant type: single nucleotide variant.
Coding change: c.2366T>G on transcript NM_000535.7 (MANE Select); coding-DNA position 2366, T replaced by G.
Protein change: p.Met789Arg; replaces methionine 789 with arginine.
Molecular consequence: missense variant. On other transcripts: non-coding transcript variant (1).
Genome position (GRCh38, 1-based): chr7:5,977,667, A>C on the plus strand (T>G on the coding strand, the complement: PMS2 is on the minus strand). VCF-style: chr7-5977667-A-C. GRCh37 (hg19) VCF-style: chr7-6017298-A-C.
Other names: c.1961T>G, p.Met654Arg (NM_001018040.1, NM_001322003.2, NM_001322004.2 and 12 more transcripts); c.2210T>G, p.Met737Arg (NM_001322006.2); c.2048T>G, p.Met683Arg (NM_001322007.2, NM_001322008.2, NM_001406883.1); c.1994T>G, p.Met665Arg (NM_001322009.2, NM_001406887.1, NM_001406888.1); c.1805T>G, p.Met602Arg (NM_001322010.2, NM_001406906.1, NM_001406907.1); c.1433T>G, p.Met478Arg (NM_001322011.2, NM_001322012.2); c.1793T>G, p.Met598Arg (NM_001322013.2, NM_001406908.1, NM_001406909.1); c.2399T>G, p.Met800Arg (NM_001322014.2); and 20 more; short protein forms M697R, M733R, M753R, M797R, M478R, M602R, M618R, M665R.
Identifiers: ClinVar variation 1790223 (VCV001790223.5), dbSNP rs2128673626, ClinGen allele CA366735818.